The following is an entry in ClinVar:

ClinVar aggregate classification (germline): Conflicting classifications of pathogenicity. Review status: criteria provided, conflicting classifications (1 of 4 stars). 3 submissions from 3 submitters: Uncertain significance (1); Likely benign (2). Last evaluated 2025-04-17.

Conditions:
Inborn genetic diseases. Identifiers: MedGen C0950123, MeSH D030342.
Glomerulopathy with fibronectin deposits 2 (GFND2). Identifiers: Orphanet 84090, MedGen C1866075, MONDO:0011165, OMIM 601894.
Spondylometaphyseal dysplasia - Sutcliffe type. Also called: Spondylometaphyseal dysplasia, 'corner fracture' type; Spondylometaphyseal Dysplasia, Corner Fracture Type; Sutcliffe type of spondylometaphyseal dysplasia; Sutcliffe SMD. Identifiers: Orphanet 93315, MedGen C0432221, MONDO:0008479, OMIM 184255.
Glomerulopathy with fibronectin deposits 1 (GFND1). Also called: Familial lobular glomerulopathy; Glomerulopathy with giant fibrillar deposits. Identifiers: Orphanet 84090, MedGen C0403557, MONDO:0024527, OMIM 137950.

Allele frequency attached by ClinVar (database versions not stated): gnomAD 0.00004; gnomAD exomes 0.00004.
gnomAD v4.1: 60 of 1,613,846 alleles (0.0037%); highest among the groups gnomAD compares: Admixed American, 0.015%; no homozygotes.

Submissions (3):

Labcorp Genetics (formerly Invitae), Labcorp
Classification: Uncertain significance. Last evaluated: 2025-04-17. Review status: criteria provided, single submitter. Criteria: Invitae Variant Classification Sherloc (09022015). Collection method: clinical testing. Allele origin: germline.
Comment: This sequence change replaces proline, which is neutral and non-polar, with leucine, which is neutral and non-polar, at codon 1289 of the FN1 protein (p.Pro1289Leu). This variant is present in population databases (rs751026014, gnomAD 0.02%). This variant has not been reported in the literature in individuals affected with FN1-related conditions. ClinVar contains an entry for this variant (Variation ID: 1367318). An algorithm developed to predict the effect of missense changes on protein structure and function (PolyPhen-2) suggests that this variant is likely to be disruptive. In summary, the available evidence is currently insufficient to determine the role of this variant in disease. Therefore, it has been classified as a Variant of Uncertain Significance.

Ambry Genetics
Classification: Likely benign for Inborn genetic diseases. Last evaluated: 2024-06-30. Review status: criteria provided, single submitter. Criteria: Ambry Variant Classification Scheme 2023. Collection method: clinical testing. Allele origin: germline.

Fulgent Genetics
Classification: Likely benign for Spondylometaphyseal dysplasia - Sutcliffe type; Glomerulopathy with fibronectin deposits 2. Last evaluated: 2024-05-29. Review status: criteria provided, single submitter. Criteria: ACMG Guidelines, 2015. Collection method: clinical testing. Allele origin: germline.

NM_212482.4(FN1):c.3866C>T (p.Pro1289Leu)

Gene: FN1 (fibronectin 1; minus strand). Cytogenetic location: 2q35.
Variant type: single nucleotide variant.
Coding change: c.3866C>T on transcript NM_212482.4 (MANE Select); coding-DNA position 3866, C replaced by T.
Protein change: p.Pro1289Leu; replaces proline 1289 with leucine.
Molecular consequence: missense variant. On other transcripts: intron variant (10).
Genome position (GRCh38, 1-based): chr2:215,393,134, G>A on the plus strand (C>T on the coding strand, the complement: FN1 is on the minus strand). VCF-style: chr2-215393134-G-A. GRCh37 (hg19) VCF-style: chr2-216257857-G-A.
Other names: c.3866C>T (NM_212482.2, NM_212482.1); c.3866C>T, p.Pro1289Leu (NM_001306129.2, NM_001306130.2, NM_001365517.2 and 3 more transcripts); c.3797-1320C>T (NM_212474.3, NM_001306132.2, NM_001365523.2 and 7 more transcripts); short protein forms P1289L.
Identifiers: ClinVar variation 1367318 (VCV001367318.10), dbSNP rs751026014, ClinGen allele CA64862431.